The following is an entry in ClinVar:

NM_002485.5(NBN):c.660_661del (p.Gln220fs)

Gene: NBN (nibrin; minus strand). Cytogenetic location: 8q21.3.
Variant type: Deletion.
Coding change: c.660_661del on transcript NM_002485.5 (MANE Select); coding-DNA positions 660 to 661, 2 bases deleted (AA; older notation c.660_661delAA).
Protein change: p.Gln220fs; shifts the reading frame from glutamine 220.
Molecular consequence: frameshift variant.
Genome position (GRCh38, 1-based): chr8:89,971,214-89,971,215, TT deleted on the plus strand (AA on the coding strand, the reverse complement: NBN is on the minus strand); deleting any 2 consecutive bases within chr8:89,971,214-89,971,216 gives the same sequence; the c. name uses the placement nearest the transcript's 3' end. VCF-style (leftmost placement, unchanged base first): chr8-89971213-ATT-A. GRCh37 (hg19) VCF-style: chr8-90983441-ATT-A.
Other names: c.414_415del, p.Gln138fs (NM_001024688.3, NM_001440379.1, NM_001440380.1); short protein forms Q138fs, Q220fs.
Identifiers: ClinVar variation 5013014 (VCV005013014.1).

ClinVar aggregate classification (germline): Pathogenic (1 of 4 stars; one submission).

Conditions:
Microcephaly, normal intelligence and immunodeficiency (NBS). Also called: IMMUNODEFICIENCY, MICROCEPHALY, AND CHROMOSOMAL INSTABILITY; SEEMANOVA SYNDROME II; Nijmegen breakage syndrome; Microcephaly with normal intelligence immunodeficiency and lymphoreticular malignancies; Nonsyndromal microcephaly autosomal recessive with normal intelligence; Seemanova syndrome 2. Identifiers: Orphanet 647, MedGen C0398791, MONDO:0009623, OMIM 251260.

Submission:

Myriad Genetics, Inc.
Classification: Pathogenic for Microcephaly, normal intelligence and immunodeficiency. Last evaluated: 2024-05-07. Review status: criteria provided, single submitter. Criteria: Myriad Autosomal Dominant, Autosomal Recessive and X-Linked Classification Criteria (2023). Collection method: clinical testing. Allele origin: unknown.
Comment: NM_002485.4(NBN):c.660_661delAA(Q220Hfs*16) is expected to be pathogenic in the context of Nijmegen breakage syndrome. This variant is predicted to lead to an abnormal or absent protein product due to the creation of a premature termination codon in NBN, a gene where loss-of-function variants are known to be pathogenic. Please note: this variant was assessed in the context of healthy population screening.